The following is an entry in ClinVar:

NM_014915.3(ANKRD26):c.434A>G (p.His145Arg)

Gene: ANKRD26 (ankyrin repeat domain 26; minus strand). Cytogenetic location: 10p12.1.
Variant type: single nucleotide variant.
Coding change: c.434A>G on transcript NM_014915.3 (MANE Select); coding-DNA position 434, A replaced by G.
Protein change: p.His145Arg; replaces histidine 145 with arginine.
Molecular consequence: missense variant.
Genome position (GRCh38, 1-based): chr10:27,093,446, T>C on the plus strand (A>G on the coding strand, the complement: ANKRD26 is on the minus strand). VCF-style: chr10-27093446-T-C. GRCh37 (hg19) VCF-style: chr10-27382375-T-C.
Other names: p.His145Arg; c.434A>G, p.His145Arg (NM_001256053.2); short protein forms H145R.
Identifiers: ClinVar variation 1314556 (VCV001314556.12), dbSNP rs750199196, ClinGen allele CA5448942.

ClinVar aggregate classification (germline): Uncertain significance. Review status: criteria provided, multiple submitters, no conflicts (2 of 4 stars). 6 submissions from 6 submitters: Uncertain significance (6). Last evaluated 2025-12-28.

Conditions:
Inborn genetic diseases. Identifiers: MedGen C0950123, MeSH D030342.

Allele frequency attached by ClinVar (database versions not stated): ExAC 0.00002; gnomAD exomes 0.00003; gnomAD 0.00008.
gnomAD v4.1: 51 of 1,614,082 alleles (0.0032%); highest among the groups gnomAD compares: Admixed American, 0.028%; no homozygotes.

Submissions (6):

Labcorp Genetics (formerly Invitae), Labcorp
Classification: Uncertain significance. Last evaluated: 2025-12-28. Review status: criteria provided, single submitter. Criteria: Invitae Variant Classification Sherloc (09022015). Collection method: clinical testing. Allele origin: germline.
Comment: This sequence change replaces histidine, which is basic and polar, with arginine, which is basic and polar, at codon 145 of the ANKRD26 protein (p.His145Arg). This variant is present in population databases (rs750199196, gnomAD 0.01%). This variant has not been reported in the literature in individuals affected with ANKRD26-related conditions. ClinVar contains an entry for this variant (Variation ID: 1314556). An algorithm developed to predict the effect of missense changes on protein structure and function outputs the following: PolyPhen-2: "Benign". The arginine amino acid residue is found in multiple mammalian species, which suggests that this missense change does not adversely affect protein function. In summary, the available evidence is currently insufficient to determine the role of this variant in disease. Therefore, it has been classified as a Variant of Uncertain Significance.

Mayo Clinic Laboratories, Mayo Clinic
Classification: Uncertain significance. Last evaluated: 2024-10-23. Review status: criteria provided, single submitter. Criteria: ACMG Guidelines, 2015. Collection method: clinical testing. Allele origin: germline. Observed: 1 variant allele.
Comment: BP4, PM1_supporting

Ambry Genetics
Classification: Uncertain significance for Inborn genetic diseases. Last evaluated: 2024-08-01. Review status: criteria provided, single submitter. Criteria: Ambry Variant Classification Scheme 2023. Collection method: clinical testing. Allele origin: germline.

Women's Health and Genetics/Laboratory Corporation of America, LabCorp
Classification: Uncertain significance. Last evaluated: 2024-03-13. Review status: criteria provided, single submitter. Criteria: LabCorp Variant Classification Summary - May 2015. Collection method: clinical testing. Allele origin: germline.
Comment: Variant summary: ANKRD26 c.434A>G (p.His145Arg) results in a non-conservative amino acid change in the encoded protein sequence. Four of five in-silico tools predict a benign effect of the variant on protein function. The variant allele was found at a frequency of 2.8e-05 in 249828 control chromosomes. The available data on variant occurrences in the general population are insufficient to allow any conclusion about variant significance. c.434A>G has been reported in the literature as a de novo change in one unspecified individual affected with ASD (Kaplanis_2020, Zhou_2022). These report(s) do not provide unequivocal conclusions about association of the variant with Thrombocytopenia 2. To our knowledge, no experimental evidence demonstrating an impact on protein function has been reported. The following publications have been ascertained in the context of this evaluation (PMID: 33057194, 35982159). ClinVar contains an entry for this variant (Variation ID: 1314556). Based on the evidence outlined above, the variant was classified as uncertain significance.

Blueprint Genetics
Classification: Uncertain significance. Last evaluated: 2023-10-24. Review status: criteria provided, single submitter. Criteria: ACMG Guidelines, 2015. Collection method: clinical testing. Allele origin: germline.

GeneDx
Classification: Uncertain significance. Last evaluated: 2023-01-03. Review status: criteria provided, single submitter. Criteria: GeneDx Variant Classification Process June 2021. Collection method: clinical testing. Allele origin: germline. Affected: yes.
Comment: In silico analysis supports that this missense variant does not alter protein structure/function; Has not been previously published as pathogenic or benign to our knowledge

Literature cited by the submitters: PubMed 35982159 (cited by Women's Health and Genetics/Laboratory Corporation of America, LabCorp); PubMed 33057194 (cited by Women's Health and Genetics/Laboratory Corporation of America, LabCorp).